The following is an entry in ClinVar:

NM_003626.5(PPFIA1):c.2064G>C (p.Ser688=)

Gene: PPFIA1 (PTPRF interacting protein alpha 1; plus strand). Cytogenetic location: 11q13.3.
Variant type: single nucleotide variant.
Coding change: c.2064G>C on transcript NM_003626.5 (MANE Select); coding-DNA position 2064, G replaced by C.
Protein change: p.Ser688=; no amino-acid change (serine 688 retained).
Molecular consequence: synonymous variant. On other transcripts: non-coding transcript variant (1).
Genome position (GRCh38, 1-based): chr11:70,348,321, G>C. VCF-style: chr11-70348321-G-C. GRCh37 (hg19) VCF-style: chr11-70194427-G-C.
Other names: c.2139G>C, p.Ser713= (NM_001378006.1); c.2064G>C, p.Ser688= (NM_177423.3).
Identifiers: ClinVar variation 3052327 (VCV003052327.2), dbSNP rs372477702, ClinGen allele CA475470330.

ClinVar aggregate classification (germline): Likely benign (0 of 4 stars; one submission).

Conditions:
PPFIA1-related disorder. Also called: PPFIA1-related condition.

gnomAD v4.1: 1 of 1,614,098 alleles (0.000062%); highest among the groups gnomAD compares: Non-Finnish European, 0.000085%; no homozygotes.

Submission:

PreventionGenetics, part of Exact Sciences
Classification: Likely benign for PPFIA1-related condition. Last evaluated: 2019-03-01. Review status: no assertion criteria provided. Collection method: clinical testing. Allele origin: germline.
Comment: This variant is classified as likely benign based on ACMG/AMP sequence variant interpretation guidelines (Richards et al. 2015 PMID: 25741868, with internal and published modifications).